The following is an entry in ClinVar:

NM_198691.3(KRTAP10-1):c.778G>C (p.Ala260Pro)

Genes: KRTAP10-1 (keratin associated protein 10-1; minus strand), TSPEAR (thrombospondin type laminin G domain and EAR repeats; minus strand). Cytogenetic location: 21q22.3.
Variant type: single nucleotide variant.
Coding change: c.778G>C on transcript NM_198691.3 (MANE Select); coding-DNA position 778, G replaced by C.
Protein change: p.Ala260Pro; replaces alanine 260 with proline.
Molecular consequence: missense variant. On other transcripts: intron variant (2).
Genome position (GRCh38, 1-based): chr21:44,539,373, C>G on the plus strand (G>C on the coding strand, the complement: KRTAP10-1 is on the minus strand). VCF-style: chr21-44539373-C-G. GRCh37 (hg19) VCF-style: chr21-45959256-C-G.
Other names: c.304-5450G>C (NM_144991.3); c.100-5450G>C (NM_001272037.2); short protein forms A260P.
Identifiers: ClinVar variation 2652759 (VCV002652759.24), dbSNP rs143105755, ClinGen allele CA10057140.
Genomic context (GRCh38, chr21:44,539,373, plus strand): 5'-GGCGGGAGCACGCGGGGCGGCAGAGGAGGGACACGCAGGAGGCCGGGCGGCAGCAGCTGG[C>G]CTGGCAGGAGGAGGCAGGGGCACAGCAGGAGGAGACAGGCATACAGCAGGCGGGCCGGCA-3'
Protein context (NP_941964.2, residues 250-270): SCCAPASSCQ[Ala260Pro]SCCRPASCVS

ClinVar aggregate classification (germline): Benign (1 of 4 stars; one submission).

Allele frequency attached by ClinVar (database versions not stated): 1000 Genomes Project 0.00599; 1000 Genomes Project 30x 0.00703; TOPMed 0.00928; ESP Exome Variant Server 0.01038.
gnomAD v4.1: 17,127 of 1,612,844 alleles (1.1%); highest among the groups gnomAD compares: Middle Eastern, 1.5%; 112 homozygotes.

Submission:

CeGaT Center for Human Genetics Tuebingen
Classification: Benign. Last evaluated: 2026-09-01. Review status: criteria provided, single submitter. Criteria: CeGaT Center For Human Genetics Tuebingen Variant Classification Criteria Version 2. Collection method: clinical testing. Allele origin: germline. Affected: yes. Observed: 3 variant alleles.
Comment: KRTAP10-1: BP4, BS1, BS2